The following continues an entry in ClinVar:

NM_000329.3(RPE65):c.1022T>C (p.Leu341Ser)

Gene: RPE65. ClinVar aggregate classification (germline): Pathogenic. Pathogenic (1).

Submissions 11 to 17 of 17:

Institute of Medical Genetics and Applied Genomics, University Hospital Tübingen
Classification: Pathogenic for Retinitis pigmentosa 20. Last evaluated: 2023-06-05. Review status: criteria provided, single submitter. Criteria: ACMG Guidelines, 2015. Collection method: clinical testing. Allele origin: germline. Inheritance: Autosomal recessive inheritance. Affected: yes. Not counted in ClinVar's aggregate classification.

GeneDx
Classification: Pathogenic. Last evaluated: 2021-03-19. Review status: criteria provided, single submitter. Criteria: GeneDx Variant Classification Process June 2021. Collection method: clinical testing. Allele origin: germline. Affected: yes. Not counted in ClinVar's aggregate classification.
Comment: Not observed in large population cohorts (Lek et al., 2016); In silico analysis, which includes protein predictors and evolutionary conservation, supports that this variant does not alter protein structure/function; This variant is associated with the following publications: (PMID: 32865313, 32036094, 19854499, 21862650, 19753312, 30268864, 9501220, 29186038, 20079931, 20683928, 20811047, 27375040, 19117922, 18539930, 21153841, 10800710, 17964524)

Mendelics
Classification: Pathogenic for Leber congenital amaurosis 2. Last evaluated: 2019-05-28. Review status: criteria provided, single submitter. Criteria: Mendelics Assertion Criteria 2017. Collection method: clinical testing. Allele origin: unknown. Not counted in ClinVar's aggregate classification.

Institute of Human Genetics, Univ. Regensburg, Univ. Regensburg
Classification: Pathogenic for Retinal dystrophy. Last evaluated: 2013-01-01. Review status: criteria provided, single submitter. Criteria: ACMG Guidelines, 2015. Collection method: clinical testing. Allele origin: germline. Affected: yes. Not counted in ClinVar's aggregate classification.

OMIM
Classification: Pathogenic for RETINITIS PIGMENTOSA 20. Last evaluated: 1998-03-17. Review status: no assertion criteria provided. Collection method: literature only. Allele origin: germline. Not counted in ClinVar's aggregate classification.

Laboratory of Genetics in Ophthalmology, Institut Imagine
Classification: Pathogenic for Leber congenital amaurosis 2. Review status: no assertion criteria provided. Collection method: research. Allele origin: inherited. Affected: yes. Observed: 1 variant allele. Not counted in ClinVar's aggregate classification.

Retina International
No classification provided. Review status: no classification provided. Collection method: not provided. Allele origin: not provided. Not counted in ClinVar's aggregate classification.

Literature cited by the submitters: PubMed 9501220 (cited by 6 submitters); PubMed 18539930 (cited by Labcorp Genetics (formerly Invitae), Labcorp); PubMed 19854499 (cited by Labcorp Genetics (formerly Invitae), Labcorp and Institute of Human Genetics, Univ. Regensburg, Univ. Regensburg); PubMed 20079931 (cited by Labcorp Genetics (formerly Invitae), Labcorp and 3billion); PubMed 20683928 (cited by Labcorp Genetics (formerly Invitae), Labcorp); PubMed 23847139 (cited by Natera, Inc.); PubMed 21153841 (cited by Natera, Inc.); PubMed 36909829 (cited by Ophthalmic Genetics Group, Institute of Molecular and Clinical Ophthalmology Basel); PubMed 30268864 (cited by Institute of Human Genetics, Univ. Regensburg, Univ. Regensburg); PubMed 32036094 (cited by Institute of Human Genetics, Univ. Regensburg, Univ. Regensburg); PubMed 32865313 (cited by Institute of Human Genetics, Univ. Regensburg, Univ. Regensburg); PubMed 34492281 (cited by Institute of Human Genetics, Univ. Regensburg, Univ. Regensburg); PubMed 34157943 (cited by Institute of Human Genetics, Univ. Regensburg, Univ. Regensburg).